The following is an entry in ClinVar:

ClinVar aggregate classification (germline): Uncertain significance (1 of 4 stars; one submission).

Conditions:
Dilated cardiomyopathy 1O (CMD1O). Also called: CARDIOMYOPATHY, DILATED, WITH VENTRICULAR TACHYCARDIA. Identifiers: Orphanet 154, MedGen C1837839, MONDO:0012062, OMIM 608569.

Allele frequency attached by ClinVar (database versions not stated): gnomAD exomes below 0.00001.
gnomAD v4.1: 2 of 1,613,022 alleles (0.00012%); highest among the groups gnomAD compares: Non-Finnish European, 0.000085%; no homozygotes.

Submission:

Labcorp Genetics (formerly Invitae), Labcorp
Classification: Uncertain significance for Dilated cardiomyopathy 1O. Last evaluated: 2021-08-26. Review status: criteria provided, single submitter. Criteria: Invitae Variant Classification Sherloc (09022015). Collection method: clinical testing. Allele origin: germline.
Comment: This sequence change replaces leucine with phenylalanine at codon 299 of the ABCC9 protein (p.Leu299Phe). The leucine residue is highly conserved and there is a small physicochemical difference between leucine and phenylalanine. This variant is not present in population databases (ExAC no frequency). This variant has not been reported in the literature in individuals affected with ABCC9-related conditions. Algorithms developed to predict the effect of missense changes on protein structure and function are either unavailable or do not agree on the potential impact of this missense change (SIFT: "Deleterious"; PolyPhen-2: "Benign"; Align-GVGD: "Class C0"). In summary, the available evidence is currently insufficient to determine the role of this variant in disease. Therefore, it has been classified as a Variant of Uncertain Significance.

NM_020297.4(ABCC9):c.895C>T (p.Leu299Phe)

Gene: ABCC9 (ATP binding cassette subfamily C member 9; minus strand). Cytogenetic location: 12p12.1.
Variant type: single nucleotide variant.
Coding change: c.895C>T on transcript NM_020297.4 (MANE Select); coding-DNA position 895, C replaced by T.
Protein change: p.Leu299Phe; replaces leucine 299 with phenylalanine.
Molecular consequence: missense variant.
Genome position (GRCh38, 1-based): chr12:21,912,988, G>A on the plus strand (C>T on the coding strand, the complement: ABCC9 is on the minus strand). VCF-style: chr12-21912988-G-A. GRCh37 (hg19) VCF-style: chr12-22065922-G-A.
Other names: c.895C>T, p.Leu299Phe (NM_001377273.1, NM_005691.4); c.31C>T, p.Leu11Phe (NM_001377274.1); short protein forms L299F, L11F.
Identifiers: ClinVar variation 1417836 (VCV001417836.6), dbSNP rs2137891599, ClinGen allele CA384121409.